The following is an entry in ClinVar:

NM_001006658.3(CR2):c.1174C>T (p.Arg392Ter)

Genes: CR2 (complement C3d receptor 2; plus strand), LOC126805994 (BRD4-independent group 4 enhancer GRCh37_chr1:207642622-207643821; plus strand). Cytogenetic location: 1q32.2.
Variant type: single nucleotide variant.
Coding change: c.1174C>T on transcript NM_001006658.3 (MANE Select); coding-DNA position 1174, C replaced by T.
Protein change: p.Arg392Ter; replaces arginine 392 with a stop codon.
Molecular consequence: nonsense.
Genome position (GRCh38, 1-based): chr1:207,470,051, C>T. VCF-style: chr1-207470051-C-T. GRCh37 (hg19) VCF-style: chr1-207643396-C-T.
Other names: c.1174C>T, p.Arg392Ter (NM_001877.5); short protein forms R392*.
Identifiers: ClinVar variation 2188566 (VCV002188566.6), dbSNP rs747713309, ClinGen allele CA1368642.

ClinVar aggregate classification (germline): Pathogenic/Likely pathogenic. Review status: criteria provided, multiple submitters, no conflicts (2 of 4 stars). 2 submissions from 2 submitters: Pathogenic (1); Likely pathogenic (1). Last evaluated 2025-10-13.

Conditions:
Immunodeficiency, common variable, 7. Identifiers: Orphanet 1572, Orphanet 696894, MedGen C3542922, MONDO:0013862, OMIM 614699.

Allele frequency attached by ClinVar (database versions not stated): gnomAD exomes 0.00001; TOPMed 0.00001; gnomAD 0.00001; ExAC 0.00002.

Submissions (2):

Labcorp Genetics (formerly Invitae), Labcorp
Classification: Pathogenic for Immunodeficiency, common variable, 7. Last evaluated: 2025-10-13. Review status: criteria provided, single submitter. Criteria: Invitae Variant Classification Sherloc (09022015). Collection method: clinical testing. Allele origin: germline.
Comment: This sequence change creates a premature translational stop signal (p.Arg392*) in the CR2 gene. It is expected to result in an absent or disrupted protein product. Loss-of-function variants in CR2 are known to be pathogenic (PMID: 26325596, 28499783). This variant is present in population databases (rs747713309, gnomAD 0.003%). This variant has not been reported in the literature in individuals affected with CR2-related conditions. ClinVar contains an entry for this variant (Variation ID: 2188566). For these reasons, this variant has been classified as Pathogenic.

Genetic Services Laboratory, University of Chicago
Classification: Likely pathogenic. Last evaluated: 2024-09-16. Review status: criteria provided, single submitter. Criteria: ACMG Guidelines, 2015. Collection method: clinical testing. Allele origin: germline. Affected: yes.
Comment: DNA sequence analysis of the CR2 gene demonstrated a sequence change,c.1174C>T, which results in the creation of a premature stop codon at amino acid position 392, p.Arg392*. This sequence change is predicted to result in an abnormal transcript, which may be degraded, or may lead to the production of a truncated CR2 protein with potentially abnormal function. This sequence change has been described in the gnomAD database with a frequency of 0.0014% in the European subpopulation (dbSNP rs747713309). This sequence change has not been previously described in individuals with CR2-related immune deficiency. However, loss of function has been determined to be the mechanism of pathogenicity for this disease (PMIDs: 22035880, 26325596, 28499783). These collective evidences indicate that this sequence change is likely pathogenic, however functional studies have not been performed to prove this conclusively.

Literature cited by the submitters: PubMed 26325596 (cited by Labcorp Genetics (formerly Invitae), Labcorp); PubMed 28499783 (cited by Labcorp Genetics (formerly Invitae), Labcorp).